The following is an entry in ClinVar:

NM_005732.4(RAD50):c.2084A>G (p.Gln695Arg)

Gene: RAD50 (RAD50 double strand break repair protein; plus strand). Cytogenetic location: 5q31.1.
Variant type: single nucleotide variant.
Coding change: c.2084A>G on transcript NM_005732.4 (MANE Select); coding-DNA position 2084, A replaced by G.
Protein change: p.Gln695Arg; replaces glutamine 695 with arginine.
Molecular consequence: missense variant.
Genome position (GRCh38, 1-based): chr5:132,595,687, A>G. VCF-style: chr5-132595687-A-G. GRCh37 (hg19) VCF-style: chr5-131931379-A-G.
Other names: short protein forms Q695R.
Identifiers: ClinVar variation 573217 (VCV000573217.11), dbSNP rs1561642431, ClinGen allele CA360949945.

ClinVar aggregate classification (germline): Uncertain significance. Review status: criteria provided, multiple submitters, no conflicts (2 of 4 stars). 2 submissions from 2 submitters: Uncertain significance (2). Last evaluated 2025-10-14.

Conditions:
Hereditary cancer-predisposing syndrome. Also called: Neoplastic Syndromes, Hereditary; Hereditary Cancer Syndrome; Tumor predisposition; Hereditary neoplastic syndrome. Identifiers: Orphanet 140162, MedGen C0027672, MeSH D009386, MONDO:0015356.

Submissions (2):

Labcorp Genetics (formerly Invitae), Labcorp
Classification: Uncertain significance for Hereditary cancer-predisposing syndrome. Last evaluated: 2025-10-14. Review status: criteria provided, single submitter. Criteria: Invitae Variant Classification Sherloc (09022015). Collection method: clinical testing. Allele origin: germline.
Comment: This sequence change replaces glutamine, which is neutral and polar, with arginine, which is basic and polar, at codon 695 of the RAD50 protein (p.Gln695Arg). This variant is not present in population databases (gnomAD no frequency). This variant has not been reported in the literature in individuals affected with RAD50-related conditions. ClinVar contains an entry for this variant (Variation ID: 573217). Invitae Evidence Modeling of protein sequence and biophysical properties (such as structural, functional, and spatial information, amino acid conservation, physicochemical variation, residue mobility, and thermodynamic stability) indicates that this missense variant is not expected to disrupt RAD50 protein function with a negative predictive value of 80%. In summary, the available evidence is currently insufficient to determine the role of this variant in disease. Therefore, it has been classified as a Variant of Uncertain Significance.

Ambry Genetics
Classification: Uncertain significance for Hereditary cancer-predisposing syndrome. Last evaluated: 2015-11-02. Review status: criteria provided, single submitter. Criteria: Ambry Variant Classification Scheme 2023. Collection method: clinical testing. Allele origin: germline.
Comment: The p.Q695R variant (also known as c.2084A>G), located in coding exon 13 of the RAD50 gene, results from an A to G substitution at nucleotide position 2084. The glutamine at codon 695 is replaced by arginine, an amino acid with highly similar properties. This variant was not reported in population based cohorts in the following databases: Database of Single Nucleotide Polymorphisms (dbSNP), NHLBI Exome Sequencing Project (ESP), and 1000 Genomes Project. In the ESP, this variant was not observed in 6503 samples (13006 alleles) with coverage at this position. To date, this alteration has been detected with an allele frequency of approximately 0.001% (greater than 120000 alleles tested) in our clinical cohort. This amino acid position is well conserved in available vertebrate species. In addition, this alteration is predicted to be tolerated by in silico analysis. Since supporting evidence is limited at this time, the clinical significance of p.Q695R remains unclear.